The following is an entry in ClinVar:

ClinVar aggregate classification (germline): Uncertain significance. Review status: criteria provided, multiple submitters, no conflicts (2 of 4 stars). 2 submissions from 2 submitters: Uncertain significance (2). Last evaluated 2026-05-21.

Conditions:
Inborn genetic diseases. Identifiers: MedGen C0950123, MeSH D030342.
Dyskeratosis congenita, autosomal recessive 5 (DKCB5). Identifiers: MedGen C3554656, MONDO:0014076, OMIM 615190.
Pulmonary fibrosis and/or bone marrow failure, Telomere-related, 3. Also called: PULMONARY FIBROSIS AND/OR BONE MARROW FAILURE SYNDROME, TELOMERE-RELATED, 3. Identifiers: Orphanet 2032, MedGen C4225346, MONDO:0014613, OMIM 616373.

Submissions (2):

Ambry Genetics
Classification: Uncertain significance for Inborn genetic diseases. Last evaluated: 2026-05-21. Review status: criteria provided, single submitter. Criteria: Ambry Variant Classification Scheme 2023. Collection method: clinical testing. Allele origin: germline.
Comment: The p.R828P variant (also known as c.2483G>C), located in coding exon 26 of the RTEL1 gene, results from a G to C substitution at nucleotide position 2483. The arginine at codon 828 is replaced by proline, an amino acid with dissimilar properties. This amino acid position is conserved. In addition, this alteration is predicted to be tolerated by in silico analysis. Based on the available evidence, the clinical significance of this variant remains unclear.

Labcorp Genetics (formerly Invitae), Labcorp
Classification: Uncertain significance for Dyskeratosis congenita, autosomal recessive 5; Pulmonary fibrosis and/or bone marrow failure, Telomere-related, 3. Last evaluated: 2025-06-15. Review status: criteria provided, single submitter. Criteria: Invitae Variant Classification Sherloc (09022015). Collection method: clinical testing. Allele origin: germline.
Comment: This sequence change replaces arginine, which is basic and polar, with proline, which is neutral and non-polar, at codon 828 of the RTEL1 protein (p.Arg828Pro). This variant is not present in population databases (gnomAD no frequency). This variant has not been reported in the literature in individuals affected with RTEL1-related conditions. An algorithm developed to predict the effect of missense changes on protein structure and function outputs the following: PolyPhen-2: "Benign". The proline amino acid residue is found in multiple mammalian species, which suggests that this missense change does not adversely affect protein function. In summary, the available evidence is currently insufficient to determine the role of this variant in disease. Therefore, it has been classified as a Variant of Uncertain Significance.

NM_001283009.2(RTEL1):c.2483G>C (p.Arg828Pro)

Genes: RTEL1 (regulator of telomere elongation helicase 1; plus strand), RTEL1-TNFRSF6B (RTEL1-TNFRSF6B readthrough (NMD candidate); plus strand). Cytogenetic location: 20q13.33.
Variant type: single nucleotide variant.
Coding change: c.2483G>C on transcript NM_001283009.2 (MANE Select); coding-DNA position 2483, G replaced by C.
Protein change: p.Arg828Pro; replaces arginine 828 with proline.
Molecular consequence: missense variant. On other transcripts: non-coding transcript variant (1).
Genome position (GRCh38, 1-based): chr20:63,690,874, G>C. VCF-style: chr20-63690874-G-C. GRCh37 (hg19) VCF-style: chr20-62322227-G-C.
Other names: c.1814G>C, p.Arg605Pro (NM_001283010.1); c.2483G>C, p.Arg828Pro (NM_016434.4); c.2555G>C, p.Arg852Pro (NM_032957.5); short protein forms R828P, R852P, R605P.
Identifiers: ClinVar variation 4791248 (VCV004791248.2).
Genomic context (GRCh38, chr20:63,690,874, plus strand): 5'-CTGCCGGGGACCCCGAGAGTAGCCTGTGTGTGGAGTATGAGCAGGAGCCAGTTCCTGCCC[G>C]GCAGAGGCCCAGGGGGCTGCTGGCCGCCCTGGAGCACAGCGAACAGCGGGCGGGGAGCCC-3'
Protein context (NP_001269938.1, residues 818-838): VEYEQEPVPA[Arg828Pro]QRPRGLLAAL